The following is an entry in ClinVar:

ClinVar aggregate classification (germline): Pathogenic (1 of 4 stars; one submission).

Conditions:
Adams-Oliver syndrome 2 (AOS2). Identifiers: Orphanet 974, MedGen C3280182, MONDO:0013635, OMIM 614219.

Submission:

Daryl Scott Lab, Baylor College of Medicine
Classification: Pathogenic for Adams-Oliver syndrome 2. Last evaluated: 2024-04-01. Review status: criteria provided, single submitter. Criteria: ACMG Guidelines, 2015. Collection method: clinical testing. Allele origin: maternal. Observed: 1 heterozygote.
Comment: PVS1, PM2

NM_020812.4(DOCK6):c.4196dup (p.Val1400fs)

Genes: DOCK6 (dedicator of cytokinesis 6; minus strand), DOCK6-AS1 (DOCK6 antisense RNA 1; plus strand). Cytogenetic location: 19p13.2.
Variant type: Duplication.
Coding change: c.4196dup on transcript NM_020812.4 (MANE Select); coding-DNA position 4196, one base duplicated (T; older notation c.4196dupT).
Protein change: p.Val1400fs; shifts the reading frame from valine 1400.
Molecular consequence: frameshift variant.
Genome position (GRCh38, 1-based): chr19:11,214,560, A duplicated on the plus strand (T on the coding strand, the reverse complement: DOCK6 is on the minus strand). VCF-style (leftmost placement, unchanged base first): chr19-11214559-G-GA. GRCh37 (hg19) VCF-style: chr19-11325235-G-GA.
Other names: c.4301dup, p.Val1435fs (NM_001367830.1); c.4196dupT (NM_020812.4); short protein forms V1400fs, V1435fs.
Identifiers: ClinVar variation 3778769 (VCV003778769.1).